The following is an entry in ClinVar:

ClinVar aggregate classification (germline): Uncertain significance (1 of 4 stars; one submission).

Conditions:
Hereditary cancer-predisposing syndrome. Also called: Neoplastic Syndromes, Hereditary; Tumor predisposition; Hereditary neoplastic syndrome; Hereditary Cancer Syndrome. Identifiers: Orphanet 140162, MedGen C0027672, MeSH D009386, MONDO:0015356.

Allele frequency attached by ClinVar (database versions not stated): gnomAD exomes below 0.00001; TOPMed below 0.00001.
gnomAD v4.1: 2 of 1,613,850 alleles (0.00012%); highest among the groups gnomAD compares: Non-Finnish European, 0.00017%; no homozygotes.

Submission:

Ambry Genetics
Classification: Uncertain significance for Hereditary cancer-predisposing syndrome. Last evaluated: 2023-09-22. Review status: criteria provided, single submitter. Criteria: Ambry Variant Classification Scheme 2023. Collection method: clinical testing. Allele origin: germline.
Comment: The p.V1070I variant (also known as c.3208G>A), located in coding exon 22 of the SMARCA4 gene, results from a G to A substitution at nucleotide position 3208. The valine at codon 1070 is replaced by isoleucine, an amino acid with highly similar properties. This amino acid position is well conserved in available vertebrate species. In addition, this alteration is predicted to be tolerated by in silico analysis. Missense and in-frame variants in SMARCA4 are known to cause neurodevelopmental disorders; however, such associations with rhabdoid tumor predisposition syndrome including small cell carcinoma of the ovary-hypercalcemic type (SCCOHT) are exceedingly rare (Kosho T et al. Am J Med Genet C Semin Med Genet. 2014 Sep;166C(3):262-75; Jelinic P et al. Nat Genet. 2014 May;46(5):424-6). Based on the supporting evidence, the association of this alteration with Coffin-Siris syndrome is unknown; however, the association of this alteration with rhabdoid tumor predisposition syndrome is unlikely.

NM_003072.5(SMARCA4):c.3208G>A (p.Val1070Ile)

Gene: SMARCA4 (SWI/SNF related BAF chromatin remodeling complex subunit ATPase 4; plus strand). Cytogenetic location: 19p13.2.
Variant type: single nucleotide variant.
Coding change: c.3208G>A on transcript NM_003072.5 (MANE Select); coding-DNA position 3208, G replaced by A.
Protein change: p.Val1070Ile; replaces valine 1070 with isoleucine.
Molecular consequence: missense variant. On other transcripts: non-coding transcript variant (1).
Genome position (GRCh38, 1-based): chr19:11,026,339, G>A. VCF-style: chr19-11026339-G-A. GRCh37 (hg19) VCF-style: chr19-11137015-G-A.
Other names: c.3208G>A, p.Val1070Ile (NM_001128844.3, NM_001128845.2, NM_001128846.2 and 6 more transcripts); short protein forms V1070I.
Identifiers: ClinVar variation 3233100 (VCV003233100.1), dbSNP rs2090255604, ClinGen allele CA404060147.